The following is an entry in ClinVar:

NM_021254.4(CFAP298):c.860G>A (p.Trp287Ter)

Genes: CFAP298-TCP10L (CFAP298-TCP10L readthrough; minus strand), CFAP298 (cilia and flagella associated protein 298; minus strand). Cytogenetic location: 21q22.11.
Variant type: single nucleotide variant.
Coding change: c.860G>A on transcript NM_021254.4 (MANE Select); coding-DNA position 860, G replaced by A.
Protein change: p.Trp287Ter; replaces tryptophan 287 with a stop codon.
Molecular consequence: nonsense. On other transcripts: 3 prime UTR variant (2), intron variant (1).
Genome position (GRCh38, 1-based): chr21:32,601,876, C>T on the plus strand (G>A on the coding strand, the complement: CFAP298 is on the minus strand). VCF-style: chr21-32601876-C-T. GRCh37 (hg19) VCF-style: chr21-33974186-C-T.
Other names: c.563G>A, p.Trp188Ter (NM_001350334.2); c.*1213G>A (NM_001350335.2); c.764G>A, p.Trp255Ter (NM_001350336.2); c.*348G>A (NM_001350337.2); c.666+1285G>A (NM_001350338.2); short protein forms W188*, W255*, W287*.
Identifiers: ClinVar variation 844753 (VCV000844753.7), dbSNP rs1180068230, ClinGen allele CA410071256.
Genomic context (GRCh38, chr21:32,601,876, plus strand): 5'-GAGAAAGGTGAGCTAATCTCTTTGGAAGTGTCATCAGCTGGTGAACTTCATCTTGGTCTC[C>T]ACTTTATGTCTTTCACTCCATGAAAATGTCTTTTCAAAGCAGTGTTATCCGCCCATGGTG-3'

ClinVar aggregate classification (germline): Uncertain significance (1 of 4 stars; one submission).

Allele frequency attached by ClinVar (database versions not stated): gnomAD exomes below 0.00001.

Submission:

Labcorp Genetics (formerly Invitae), Labcorp
Classification: Uncertain significance. Last evaluated: 2019-11-20. Review status: criteria provided, single submitter. Criteria: Invitae Variant Classification Sherloc (09022015). Collection method: clinical testing. Allele origin: germline.
Comment: In summary, the available evidence is currently insufficient to determine the role of this variant in disease. Therefore, it has been classified as a Variant of Uncertain Significance. This variant has not been reported in the literature in individuals with CFAP298-related conditions. This variant is not present in population databases (ExAC no frequency). This sequence change results in a premature translational stop signal in the CFAP298 gene (p.Trp287*). While this is not anticipated to result in nonsense mediated decay, it is expected to disrupt the last 4 amino acids of the CFAP298 protein.